The following is an entry in ClinVar:

NM_000271.5(NPC1):c.2317del (p.Leu773fs)

Gene: NPC1 (NPC intracellular cholesterol transporter 1; minus strand). Cytogenetic location: 18q11.2.
Variant type: Deletion.
Coding change: c.2317del on transcript NM_000271.5 (MANE Select); coding-DNA position 2317, one base deleted (C; older notation c.2317delC).
Protein change: p.Leu773fs; shifts the reading frame from leucine 773.
Molecular consequence: frameshift variant.
Genome position (GRCh38, 1-based): chr18:23,541,362, G deleted on the plus strand (C on the coding strand, the reverse complement: NPC1 is on the minus strand). VCF-style (leftmost placement, unchanged base first): chr18-23541361-AG-A. GRCh37 (hg19) VCF-style: chr18-21121325-AG-A.
Other names: short protein forms L773fs.
Identifiers: ClinVar variation 4731927 (VCV004731927.1).

ClinVar aggregate classification (germline): Pathogenic (1 of 4 stars; one submission).

Conditions:
Niemann-Pick disease, type C1. Also called: NEUROVISCERAL STORAGE DISEASE WITH VERTICAL SUPRANUCLEAR OPHTHALMOPLEGIA; NIEMANN-PICK DISEASE WITH CHOLESTEROL ESTERIFICATION BLOCK; NIEMANN-PICK DISEASE WITHOUT SPHINGOMYELINASE DEFICIENCY; NIEMANN-PICK DISEASE, CHRONIC NEURONOPATHIC FORM; NIEMANN-PICK DISEASE, VARIANT TYPE C1. Identifiers: Orphanet 646, MedGen C3179455, MONDO:0009757, OMIM 257220.

Submission:

Labcorp Genetics (formerly Invitae), Labcorp
Classification: Pathogenic for Niemann-Pick disease, type C1. Last evaluated: 2026-01-05. Review status: criteria provided, single submitter. Criteria: Invitae Variant Classification Sherloc (09022015). Collection method: clinical testing. Allele origin: germline.
Comment: This sequence change creates a premature translational stop signal (p.Leu773Phefs*8) in the NPC1 gene. It is expected to result in an absent or disrupted protein product. Loss-of-function variants in NPC1 are known to be pathogenic (PMID: 9211850). This variant is not present in population databases (gnomAD no frequency). This variant has not been reported in the literature in individuals affected with NPC1-related conditions. For these reasons, this variant has been classified as Pathogenic.

Literature cited by the submitters: PubMed 9211850.